The following is an entry in ClinVar:

NM_001363711.2(DUOX2):c.2291G>A (p.Arg764Gln)

Gene: DUOX2 (dual oxidase 2; minus strand). Cytogenetic location: 15q21.1.
Variant type: single nucleotide variant.
Coding change: c.2291G>A on transcript NM_001363711.2 (MANE Select); coding-DNA position 2291, G replaced by A.
Protein change: p.Arg764Gln; replaces arginine 764 with glutamine.
Molecular consequence: missense variant.
Genome position (GRCh38, 1-based): chr15:45,105,686, C>T on the plus strand (G>A on the coding strand, the complement: DUOX2 is on the minus strand). VCF-style: chr15-45105686-C-T. GRCh37 (hg19) VCF-style: chr15-45397884-C-T.
Other names: c.2291G>A, p.Arg764Gln (NM_014080.5); short protein forms R764Q.
Identifiers: ClinVar variation 316169 (VCV000316169.9), dbSNP rs201884203, ClinGen allele CA7538309.

ClinVar aggregate classification (germline): Uncertain significance. Review status: criteria provided, multiple submitters, no conflicts (2 of 4 stars). 4 submissions from 4 submitters: Uncertain significance (4). Last evaluated 2026-03-10.

Conditions:
Thyroid dyshormonogenesis 6 (TDH6). Also called: THYROID HORMONOGENESIS, GENETIC DEFECT IN, 6; Genetic transient congenital hypothyroidism; HYPOTHYROIDISM, CONGENITAL, DUE TO DYSHORMONOGENESIS, 6. Identifiers: Orphanet 226316, Orphanet 95716, MedGen C1846632, MONDO:0011792, OMIM 607200.

Allele frequency attached by ClinVar (database versions not stated): gnomAD 0.00001; gnomAD exomes 0.00001; TOPMed 0.00001; ExAC 0.00002; 1000 Genomes Project 30x 0.00016; 1000 Genomes Project 0.00020.
gnomAD v4.1: 14 of 1,614,232 alleles (0.00087%); highest among the groups gnomAD compares: Middle Eastern, 0.016%; no homozygotes.

Submissions (4):

Women's Health and Genetics/Laboratory Corporation of America, LabCorp
Classification: Uncertain significance. Last evaluated: 2026-03-10. Review status: criteria provided, single submitter. Criteria: LabCorp Variant Classification Summary - May 2015. Collection method: clinical testing. Allele origin: germline.
Comment: Variant summary: DUOX2 c.2291G>A (p.Arg764Gln) results in a conservative amino acid change in the encoded protein sequence. Algorithms developed to predict the effect of missense changes on protein structure and function are either unavailable or do not agree on the potential impact of this missense change. The variant allele was found at a frequency of 8e-06 in 251456 control chromosomes. c.2291G>A has been observed in the heterozygous and presumed compound heterozygous state in individual(s) affected with clinical features of Thyroid Dyshormonogenesis 6 and/or congenital hypothyroidism (example, Tsai_2024, Zhou_2023, Wang_2020, Zhang_2023, Huang_2025), mostly without strong evidence for causality. These data indicate that the variant may be associated with disease. To our knowledge, no experimental evidence demonstrating an impact on protein function has been reported. The following publications have been ascertained in the context of this evaluation (PMID: 38923290, 38105685, 35507000, 32425884, 37390946, 39720292). ClinVar contains an entry for this variant (Variation ID: 316169). Based on the evidence outlined above, the variant was classified as VUS-possibly pathogenic.

Labcorp Genetics (formerly Invitae), Labcorp
Classification: Uncertain significance. Last evaluated: 2025-11-11. Review status: criteria provided, single submitter. Criteria: Invitae Variant Classification Sherloc (09022015). Collection method: clinical testing. Allele origin: germline.
Comment: This sequence change replaces arginine, which is basic and polar, with glutamine, which is neutral and polar, at codon 764 of the DUOX2 protein (p.Arg764Gln). This variant is present in population databases (rs201884203, gnomAD 0.006%). This missense change has been observed in individual(s) with congenital hypothyroidism (PMID: 32425884, 37390946). ClinVar contains an entry for this variant (Variation ID: 316169). Invitae Evidence Modeling of protein sequence and biophysical properties (such as structural, functional, and spatial information, amino acid conservation, physicochemical variation, residue mobility, and thermodynamic stability) indicates that this missense variant is expected to disrupt DUOX2 protein function with a positive predictive value of 80%. In summary, the available evidence is currently insufficient to determine the role of this variant in disease. Therefore, it has been classified as a Variant of Uncertain Significance.

GeneDx
Classification: Uncertain significance. Last evaluated: 2022-06-27. Review status: criteria provided, single submitter. Criteria: GeneDx Variant Classification Process June 2021. Collection method: clinical testing. Allele origin: germline. Affected: yes.
Comment: Observed with a pathogenic variant, phase unknown, in a patient with congenital hypothyroidism (Jung and Lee, 2021); In silico analysis supports that this missense variant has a deleterious effect on protein structure/function; This variant is associated with the following publications: (PMID: 32425884, So2021[Poster])

Illumina Laboratory Services, Illumina
Classification: Uncertain significance for Thyroid dyshormonogenesis 6. Last evaluated: 2018-01-12. Review status: criteria provided, single submitter. Criteria: ICSL Variant Classification Criteria 13 December 2019. Collection method: clinical testing. Allele origin: germline.

Literature cited by the submitters: PubMed 32425884 (cited by Women's Health and Genetics/Laboratory Corporation of America, LabCorp and Labcorp Genetics (formerly Invitae), Labcorp); PubMed 37390946 (cited by Women's Health and Genetics/Laboratory Corporation of America, LabCorp and Labcorp Genetics (formerly Invitae), Labcorp); PubMed 35507000 (cited by Women's Health and Genetics/Laboratory Corporation of America, LabCorp); PubMed 38105685 (cited by Women's Health and Genetics/Laboratory Corporation of America, LabCorp); PubMed 39720292 (cited by Women's Health and Genetics/Laboratory Corporation of America, LabCorp); PubMed 38923290 (cited by Women's Health and Genetics/Laboratory Corporation of America, LabCorp).